The following is an entry in ClinVar:

NM_017668.3(NDE1):c.486C>T (p.Leu162=)

Gene: NDE1 (nudE neurodevelopment protein 1; plus strand). Cytogenetic location: 16p13.11.
Variant type: single nucleotide variant.
Coding change: c.486C>T on transcript NM_017668.3 (MANE Select); coding-DNA position 486, C replaced by T.
Protein change: p.Leu162=; no amino-acid change (leucine 162 retained).
Molecular consequence: synonymous variant.
Genome position (GRCh38, 1-based): chr16:15,687,474, C>T. VCF-style: chr16-15687474-C-T. GRCh37 (hg19) VCF-style: chr16-15781331-C-T.
Other names: c.486C>T, p.Leu162= (NM_001143979.2).
Identifiers: ClinVar variation 283526 (VCV000283526.54), dbSNP rs140251634, ClinGen allele CA7920670.

ClinVar aggregate classification (germline): Benign/Likely benign. Review status: criteria provided, multiple submitters, no conflicts (2 of 4 stars). 7 submissions from 7 submitters: Benign (6); Likely benign (1). Last evaluated 2026-07-01.

Conditions:
Lissencephaly 4 (LIS4). Also called: Lissencephaly 4 (with microcephaly). Identifiers: Orphanet 1083, MedGen C3151461, MONDO:0013527, OMIM 614019.

Allele frequency attached by ClinVar (database versions not stated): 1000 Genomes Project 30x 0.00078; 1000 Genomes Project 0.00100; ESP Exome Variant Server 0.00146; TOPMed 0.00203; gnomAD exomes 0.00270 and 0.00325; ExAC 0.00308; gnomAD 0.00338 and 0.00354.
gnomAD v4.1: 4,456 of 1,614,182 alleles (0.28%); highest among the groups gnomAD compares: Non-Finnish European, 0.25%; 17 homozygotes.

Submissions (7):

CeGaT Center for Human Genetics Tuebingen
Classification: Likely benign. Last evaluated: 2026-07-01. Review status: criteria provided, single submitter. Criteria: CeGaT Center For Human Genetics Tuebingen Variant Classification Criteria Version 2. Collection method: clinical testing. Allele origin: germline. Affected: yes. Observed: 16 variant alleles.
Comment: NDE1: BP4, BP7

Labcorp Genetics (formerly Invitae), Labcorp
Classification: Benign. Last evaluated: 2026-01-09. Review status: criteria provided, single submitter. Criteria: Invitae Variant Classification Sherloc (09022015). Collection method: clinical testing. Allele origin: germline.

Blueprint Genetics
Classification: Benign. Last evaluated: 2024-11-27. Review status: criteria provided, single submitter. Criteria: ACMG Guidelines, 2015. Collection method: clinical testing. Allele origin: germline.

Athena Diagnostics
Classification: Benign. Last evaluated: 2019-01-17. Review status: criteria provided, single submitter. Criteria: Athena Diagnostics Criteria. Collection method: clinical testing. Allele origin: germline.

Illumina Laboratory Services, Illumina
Classification: Benign for Lissencephaly 4. Last evaluated: 2017-04-27. Review status: criteria provided, single submitter. Criteria: ICSL Variant Classification Criteria 13 December 2019. Collection method: clinical testing. Allele origin: germline.
Comment: This variant was observed as part of a predisposition screen in an ostensibly healthy population. A literature search was performed for the gene, cDNA change, and amino acid change (where applicable). No publications were found based on this search. Allele frequency data from public databases was too high to be consistent with this variant causing disease. Therefore, this variant is classified as benign.

Eurofins Ntd Llc (ga)
Classification: Benign. Last evaluated: 2015-10-12. Review status: criteria provided, single submitter. Criteria: EGL Classification Definitions 2015. Collection method: clinical testing. Allele origin: germline. Observed: 1 variant allele, 1 heterozygote.

GeneDx
Classification: Benign. Last evaluated: 2015-08-28. Review status: criteria provided, single submitter. Criteria: GeneDx Variant Classification (06012015). Collection method: clinical testing. Allele origin: germline. Affected: yes.
Comment: This variant is considered likely benign or benign based on one or more of the following criteria: it is a conservative change, it occurs at a poorly conserved position in the protein, it is predicted to be benign by multiple in silico algorithms, and/or has population frequency not consistent with disease.